The following is an entry in ClinVar:

NM_001330078.2(NRXN1):c.2626G>C (p.Gly876Arg)

Gene: NRXN1 (neurexin 1; minus strand). Cytogenetic location: 2p16.3.
Variant type: single nucleotide variant.
Coding change: c.2626G>C on transcript NM_001330078.2 (MANE Select); coding-DNA position 2626, G replaced by C.
Protein change: p.Gly876Arg; replaces glycine 876 with arginine.
Molecular consequence: missense variant.
Genome position (GRCh38, 1-based): chr2:50,497,586, C>G on the plus strand (G>C on the coding strand, the complement: NRXN1 is on the minus strand). VCF-style: chr2-50497586-C-G. GRCh37 (hg19) VCF-style: chr2-50724724-C-G.
Other names: c.2746G>C, p.Gly916Arg (NM_001135659.3); c.2602G>C, p.Gly868Arg (NM_001330077.2, NM_001330082.2); c.2560G>C, p.Gly854Arg (NM_001330083.2, NM_001330084.2); c.2599G>C, p.Gly867Arg (NM_001330085.2); c.2626G>C, p.Gly876Arg (NM_001330086.2, NM_004801.6); c.2515G>C, p.Gly839Arg (NM_001330087.2, NM_001330096.2); c.2545G>C, p.Gly849Arg (NM_001330088.2); c.2623G>C, p.Gly875Arg (NM_001330093.2); and 2 more; short protein forms G839R, G849R, G854R, G859R, G867R, G868R, G872R, G875R.
Identifiers: ClinVar variation 3365099 (VCV003365099.1).

ClinVar aggregate classification (germline): Uncertain significance (1 of 4 stars; one submission).

Submission:

GeneDx
Classification: Uncertain significance. Last evaluated: 2023-11-29. Review status: criteria provided, single submitter. Criteria: GeneDx Variant Classification Process June 2021. Collection method: clinical testing. Allele origin: germline. Affected: yes.
Comment: Not observed at significant frequency in large population cohorts (gnomAD); In silico analysis supports that this missense variant has a deleterious effect on protein structure/function; Has not been previously published as pathogenic or benign to our knowledge